The following is an entry in ClinVar:

ClinVar aggregate classification (germline): Uncertain significance (1 of 4 stars; one submission).

gnomAD v4.1: 1 of 1,614,194 alleles (0.000062%); highest among the groups gnomAD compares: Non-Finnish European, 0.000085%; no homozygotes.

Submission:

CeGaT Center for Human Genetics Tuebingen
Classification: Uncertain significance. Last evaluated: 2024-01-01. Review status: criteria provided, single submitter. Criteria: CeGaT Center For Human Genetics Tuebingen Variant Classification Criteria Version 2. Collection method: clinical testing. Allele origin: germline. Affected: yes. Observed: 1 variant allele.
Comment: EP400: PM2

NM_015409.5(EP400):c.7129C>T (p.Arg2377Ter)

Gene: EP400 (E1A binding protein p400; plus strand). Cytogenetic location: 12q24.33.
Variant type: single nucleotide variant.
Coding change: c.7129C>T on transcript NM_015409.5 (MANE Select); coding-DNA position 7129, C replaced by T.
Protein change: p.Arg2377Ter; replaces arginine 2377 with a stop codon.
Molecular consequence: nonsense.
Genome position (GRCh38, 1-based): chr12:132,045,829, C>T. VCF-style: chr12-132045829-C-T. GRCh37 (hg19) VCF-style: chr12-132530374-C-T.
Other names: short protein forms R2377*.
Identifiers: ClinVar variation 3026456 (VCV003026456.22), dbSNP rs950154475, ClinGen allele CA387346853.